The following is an entry in ClinVar:

ClinVar aggregate classification (germline): Benign. Review status: criteria provided, multiple submitters, no conflicts (2 of 4 stars). 3 submissions from 3 submitters: Benign (2). 1 of the submissions does not count toward it. Last evaluated 2018-11-10.

Conditions:
CABIN1-related disorder. Also called: CABIN1-related condition.

Allele frequency attached by ClinVar (database versions not stated): ESP Exome Variant Server 0.06519; TOPMed 0.06720; 1000 Genomes Project 30x 0.06902; gnomAD 0.07178 and 0.07311; 1000 Genomes Project 0.07208; gnomAD exomes 0.08094; ExAC 0.08795.
gnomAD v4.1: 139,971 of 1,558,144 alleles (9%); highest among the groups gnomAD compares: East Asian, 17%; 6,857 homozygotes.

Submissions (3):

GeneDx
Classification: Benign. Last evaluated: 2018-11-10. Review status: criteria provided, single submitter. Criteria: GeneDx Variant Classification Process June 2021. Collection method: clinical testing. Allele origin: germline. Affected: yes.

Breakthrough Genomics
Classification: Benign. Review status: criteria provided, single submitter. Criteria: ACMG Guidelines, 2015. Collection method: not provided. Allele origin: germline. Inheritance: Unknown mechanism. Affected: yes.

PreventionGenetics, part of Exact Sciences
Classification: Benign for CABIN1-related condition. Last evaluated: 2019-12-03. Review status: no assertion criteria provided. Collection method: clinical testing. Allele origin: germline. Not counted in ClinVar's aggregate classification.
Comment: This variant is classified as benign based on ACMG/AMP sequence variant interpretation guidelines (Richards et al. 2015 PMID: 25741868, with internal and published modifications).

NM_012295.4(CABIN1):c.5745C>T (p.Ala1915=)

Gene: CABIN1 (calcineurin binding protein 1; plus strand). Cytogenetic location: 22q11.23.
Variant type: single nucleotide variant.
Coding change: c.5745C>T on transcript NM_012295.4 (MANE Select); coding-DNA position 5745, C replaced by T.
Protein change: p.Ala1915=; no amino-acid change (alanine 1915 retained).
Molecular consequence: synonymous variant.
Genome position (GRCh38, 1-based): chr22:24,168,509, C>T. VCF-style: chr22-24168509-C-T. GRCh37 (hg19) VCF-style: chr22-24564477-C-T.
Other names: c.5745C>T, p.Ala1915= (NM_001199281.1); c.5595C>T, p.Ala1865= (NM_001201429.2).
Identifiers: ClinVar variation 1277647 (VCV001277647.4), dbSNP rs17854875, ClinGen allele CA10149821.
Genomic context (GRCh38, chr22:24,168,509, plus strand): 5'-GGATGAGGAGGCTGCGCTGGAGCAGGCTGTGAAGTTCTGCCAGGTCCATCTTGGGGCTGC[C>T]GCCCAGAGACAGGTAAGCCCAATTTAGCCTGTGCCAGCCTCATCTTGCGGAGCCTGCTCC-3'
Protein context (NP_036427.1, residues 1905-1925): VKFCQVHLGA[Ala1915=]AQRQASGDTP